The following is an entry in ClinVar:

NM_033026.6(PCLO):c.4697A>G (p.Asp1566Gly)

Gene: PCLO (piccolo presynaptic cytomatrix protein; minus strand). Cytogenetic location: 7q21.11.
Variant type: single nucleotide variant.
Coding change: c.4697A>G on transcript NM_033026.6 (MANE Select); coding-DNA position 4697, A replaced by G.
Protein change: p.Asp1566Gly; replaces aspartic acid 1566 with glycine.
Molecular consequence: missense variant.
Genome position (GRCh38, 1-based): chr7:82,956,256, T>C on the plus strand (A>G on the coding strand, the complement: PCLO is on the minus strand). VCF-style: chr7-82956256-T-C. GRCh37 (hg19) VCF-style: chr7-82585572-T-C.
Other names: c.4697A>G, p.Asp1566Gly (NM_014510.3); short protein forms D1566G.
Identifiers: ClinVar variation 1028493 (VCV001028493.4), dbSNP rs748686744, ClinGen allele CA4320775.

ClinVar aggregate classification (germline): Uncertain significance. Review status: criteria provided, multiple submitters, no conflicts (2 of 4 stars). 3 submissions from 3 submitters: Uncertain significance (3). Last evaluated 2025-11-08.

Conditions:
Inborn genetic diseases. Identifiers: MedGen C0950123, MeSH D030342.
Pontocerebellar hypoplasia type 3 (PCH3). Also called: PCH WITH OPTIC ATROPHY; CEREBELLAR ATROPHY WITH PROGRESSIVE MICROCEPHALY. Identifiers: Orphanet 97249, MedGen C1842687, MONDO:0011948, OMIM 608027.

Allele frequency attached by ClinVar (database versions not stated): TOPMed 0.00001; gnomAD 0.00002 and 0.00003; gnomAD exomes 0.00004 and 0.00007; ExAC 0.00006.
gnomAD v4.1: 58 of 1,612,006 alleles (0.0036%); highest among the groups gnomAD compares: South Asian, 0.032%; no homozygotes.

Submissions (3):

Ambry Genetics
Classification: Uncertain significance for Inborn genetic diseases. Last evaluated: 2025-11-08. Review status: criteria provided, single submitter. Criteria: Ambry Variant Classification Scheme 2023. Collection method: clinical testing. Allele origin: germline.

Labcorp Genetics (formerly Invitae), Labcorp
Classification: Uncertain significance. Last evaluated: 2023-10-24. Review status: criteria provided, single submitter. Criteria: Invitae Variant Classification Sherloc (09022015). Collection method: clinical testing. Allele origin: germline.
Comment: This sequence change replaces aspartic acid, which is acidic and polar, with glycine, which is neutral and non-polar, at codon 1566 of the PCLO protein (p.Asp1566Gly). This variant is present in population databases (rs748686744, gnomAD 0.04%). This variant has not been reported in the literature in individuals affected with PCLO-related conditions. ClinVar contains an entry for this variant (Variation ID: 1028493). Experimental studies and prediction algorithms are not available or were not evaluated, and the functional significance of this variant is currently unknown. In summary, the available evidence is currently insufficient to determine the role of this variant in disease. Therefore, it has been classified as a Variant of Uncertain Significance.

Baylor Genetics
Classification: Uncertain significance for Pontocerebellar hypoplasia type 3. Last evaluated: 2020-08-05. Review status: criteria provided, single submitter. Criteria: ACMG Guidelines, 2015. Collection method: clinical testing. Allele origin: unknown. Affected: yes.
Comment: This variant was determined to be of uncertain significance according to ACMG Guidelines, 2015 [PMID:25741868].